The following is an entry in ClinVar:

NM_002796.3(PSMB4):c.200T>C (p.Ile67Thr)

Gene: PSMB4 (proteasome 20S subunit beta 4; plus strand). Cytogenetic location: 1q21.3.
Variant type: single nucleotide variant.
Coding change: c.200T>C on transcript NM_002796.3 (MANE Select); coding-DNA position 200, T replaced by C.
Protein change: p.Ile67Thr; replaces isoleucine 67 with threonine.
Molecular consequence: missense variant.
Genome position (GRCh38, 1-based): chr1:151,400,040, T>C. VCF-style: chr1-151400040-T-C. GRCh37 (hg19) VCF-style: chr1-151372516-T-C.
Other names: short protein forms I67T.
Identifiers: ClinVar variation 2869636 (VCV002869636.3), dbSNP rs2529156485, ClinGen allele CA341920730.

ClinVar aggregate classification (germline): Uncertain significance (1 of 4 stars; one submission).

Allele frequency attached by ClinVar (database versions not stated): gnomAD exomes below 0.00001.
gnomAD v4.1: 5 of 1,614,124 alleles (0.00031%); highest among the groups gnomAD compares: Non-Finnish European, 0.00042%; no homozygotes.

Submission:

Labcorp Genetics (formerly Invitae), Labcorp
Classification: Uncertain significance. Last evaluated: 2023-05-01. Review status: criteria provided, single submitter. Criteria: Invitae Variant Classification Sherloc (09022015). Collection method: clinical testing. Allele origin: germline.
Comment: In summary, the available evidence is currently insufficient to determine the role of this variant in disease. Therefore, it has been classified as a Variant of Uncertain Significance. An algorithm developed to predict the effect of missense changes on protein structure and function (PolyPhen-2) suggests that this variant is likely to be disruptive. This variant has not been reported in the literature in individuals affected with PSMB4-related conditions. This variant is not present in population databases (gnomAD no frequency). This sequence change replaces isoleucine, which is neutral and non-polar, with threonine, which is neutral and polar, at codon 67 of the PSMB4 protein (p.Ile67Thr).